The following is an entry in ClinVar:

NC_000007.13:g.(?_151478228)_(151573715_?)dup

Gene: PRKAG2 (protein kinase AMP-activated non-catalytic subunit gamma 2; minus strand). Cytogenetic location: 7q36.1.
Variant type: Duplication.
Identifiers: ClinVar variation 832958 (VCV000832958.1).

ClinVar aggregate classification (germline): Uncertain significance (1 of 4 stars; one submission).

Conditions:
Lethal congenital glycogen storage disease of heart. Also called: GLYCOGEN STORAGE DISEASE OF HEART; PHOSPHORYLASE KINASE DEFICIENCY OF HEART. Identifiers: Orphanet 439854, MedGen C1849813, MONDO:0009867, OMIM 261740.

Submission:

Labcorp Genetics (formerly Invitae), Labcorp
Classification: Uncertain significance for Glycogen storage disease of heart, lethal congenital. Last evaluated: 2019-10-07. Review status: criteria provided, single submitter. Criteria: Invitae Variant Classification Sherloc (09022015). Collection method: clinical testing. Allele origin: germline.
Comment: This variant results in a copy number gain of the genomic region encompassing the full coding sequence of the PRKAG2 gene. The boundaries of this event are unknown as they extend beyond the assayed region for this gene and therefore may encompass additional genes. As the precise location of this event is unknown, it may be in tandem or it may be located elsewhere in the genome. This variant has not been reported in the literature in individuals with PRKAG2-related conditions. In summary, the available evidence is currently insufficient to determine the role of this variant in disease. Therefore, it has been classified as a Variant of Uncertain Significance.